The following is an entry in ClinVar:

NM_015164.4(PLEKHM2):c.2006C>T (p.Thr669Met)

Gene: PLEKHM2 (pleckstrin homology and RUN domain containing M2; plus strand). Cytogenetic location: 1p36.21.
Variant type: single nucleotide variant.
Coding change: c.2006C>T on transcript NM_015164.4 (MANE Select); coding-DNA position 2006, C replaced by T.
Protein change: p.Thr669Met; replaces threonine 669 with methionine.
Molecular consequence: missense variant.
Genome position (GRCh38, 1-based): chr1:15,729,121, C>T. VCF-style: chr1-15729121-C-T. GRCh37 (hg19) VCF-style: chr1-16055616-C-T.
Other names: c.2006C>T (NM_015164.2); c.1946C>T, p.Thr649Met (NM_001410755.1); short protein forms T649M, T669M.
Identifiers: ClinVar variation 2178840 (VCV002178840.5), dbSNP rs368057371, ClinGen allele CA617111.

ClinVar aggregate classification (germline): Uncertain significance. Review status: criteria provided, multiple submitters, no conflicts (2 of 4 stars). 2 submissions from 2 submitters: Uncertain significance (2). Last evaluated 2025-07-14.

Allele frequency attached by ClinVar (database versions not stated): gnomAD 0.00001; gnomAD exomes 0.00002; TOPMed 0.00002; ExAC 0.00003; ESP Exome Variant Server 0.00008.

Submissions (2):

Ambry Genetics
Classification: Uncertain significance. Last evaluated: 2025-07-14. Review status: criteria provided, single submitter. Criteria: Ambry Variant Classification Scheme 2023. Collection method: clinical testing. Allele origin: germline.

Labcorp Genetics (formerly Invitae), Labcorp
Classification: Uncertain significance. Last evaluated: 2025-03-28. Review status: criteria provided, single submitter. Criteria: Invitae Variant Classification Sherloc (09022015). Collection method: clinical testing. Allele origin: germline.
Comment: This sequence change replaces threonine, which is neutral and polar, with methionine, which is neutral and non-polar, at codon 669 of the PLEKHM2 protein (p.Thr669Met). This variant is present in population databases (rs368057371, gnomAD 0.01%). This variant has not been reported in the literature in individuals affected with PLEKHM2-related conditions. ClinVar contains an entry for this variant (Variation ID: 2178840). An algorithm developed to predict the effect of missense changes on protein structure and function (PolyPhen-2) suggests that this variant is likely to be disruptive. In summary, the available evidence is currently insufficient to determine the role of this variant in disease. Therefore, it has been classified as a Variant of Uncertain Significance.